The following is an entry in ClinVar:

ClinVar aggregate classification (germline): Pathogenic/Likely pathogenic. Review status: criteria provided, multiple submitters, no conflicts (2 of 4 stars). 5 submissions from 5 submitters: Pathogenic (2); Likely pathogenic (2). 1 of the submissions does not count toward it. Last evaluated 2026-03-05.

Conditions:
Athabaskan severe combined immunodeficiency (SCIDA). Also called: Severe combined immunodeficiency, athabascan-type. Identifiers: MedGen C1865370.
Severe combined immunodeficiency due to DCLRE1C deficiency (RS-SCID). Also called: SCID, AUTOSOMAL RECESSIVE, T CELL-NEGATIVE, B CELL-NEGATIVE, NK CELL-POSITIVE, WITH SENSITIVITY TO IONIZING RADIATION. Identifiers: Orphanet 275, MedGen C1865371, MONDO:0011225, OMIM 602450.

Submissions (5):

Mendelics
Classification: Pathogenic for Severe combined immunodeficiency due to DCLRE1C deficiency. Last evaluated: 2026-03-05. Review status: criteria provided, single submitter. Criteria: ACMG Guidelines, 2015. Collection method: clinical testing. Allele origin: unknown.
Comment: Likely pathogenic/Pathogenic according to ACMG criteria.

Dasa
Classification: Likely pathogenic. Last evaluated: 2025-04-08. Review status: criteria provided, single submitter. Criteria: DASA Assertion Criteria. Collection method: clinical testing. Allele origin: germline.
Comment: NM_001033855.3(DCLRE1C):c.780+1del affects a canonical splice site and is predicted to disrupt normal RNA splicing. Loss of function is an established disease mechanism for DCLRE1C-associated disorders. This variant has been reported in individuals with DCLRE1C-related disorders (PMID: 11336668). Also, this variant is rare in population databases. Based on the currently available evidence, this variant is classified as likely pathogenic.

Natera, Inc.
Classification: Likely pathogenic for Athabascan severe combined immunodeficiency. Last evaluated: 2024-12-11. Review status: criteria provided, single submitter. Criteria: Natera Variant Classification Schema (03/2026). Collection method: clinical testing. Allele origin: germline.
Comment: The c.780+1del variant in DCLRE1C is a canonical splice donor site variant predicted to affect pre-mRNA splicing, which may result in an abnormal transcript and altered protein product. This variant may result in a truncated or dysfunctional protein product. This variant is rare in the general population with a frequency below the threshold expected for the associated phenotype(s). This variant has been observed in one or more individuals affected with the associated recessive disease, as either homozygous or compound heterozygous with a second variant (PMID: 11336668). Functional studies show that this variant may disrupt protein function (PMID: 11336668). Given the available evidence, this variant is classified as Likely Pathogenic.

Labcorp Genetics (formerly Invitae), Labcorp
Classification: Pathogenic for Athabaskan severe combined immunodeficiency. Last evaluated: 2020-11-14. Review status: criteria provided, single submitter. Criteria: Invitae Variant Classification Sherloc (09022015). Collection method: clinical testing. Allele origin: germline.
Comment: This sequence change creates a premature translational stop signal (p.Ala261Glnfs*24) in the DCLRE1C gene. It is expected to result in an absent or disrupted protein product. Loss-of-function variants in DCLRE1C are known to be pathogenic (PMID: 21664875, 26123418). This variant is present in population databases (rs762696311, ExAC 0.003%). This variant has been observed in individual(s) with severe combined immunodeficiency (PMID: 11336668). This variant is also known as c.780+1delG and G818. ClinVar contains an entry for this variant (Variation ID: 4671). Algorithms developed to predict the effect of sequence changes on RNA splicing suggest that this variant may disrupt the consensus splice site, but this prediction has not been confirmed by published transcriptional studies. For these reasons, this variant has been classified as Pathogenic.

OMIM
Classification: Pathogenic for SEVERE COMBINED IMMUNODEFICIENCY WITH SENSITIVITY TO IONIZING RADIATION. Last evaluated: 2001-04-20. Review status: no assertion criteria provided. Collection method: literature only. Allele origin: germline. Not counted in ClinVar's aggregate classification.

Literature cited by the submitters: PubMed 11336668 (cited by 4 submitters); PubMed 21664875 (cited by Labcorp Genetics (formerly Invitae), Labcorp); PubMed 26123418 (cited by Labcorp Genetics (formerly Invitae), Labcorp).

NM_001033855.3(DCLRE1C):c.780+1del

Gene: DCLRE1C (DNA cross-link repair 1C; minus strand). Cytogenetic location: 10p13.
Variant type: Deletion.
Coding change: c.780+1del on transcript NM_001033855.3 (MANE Select); the canonical splice donor site of the intron after coding-DNA position 780, one base deleted (G; older notation c.780+1delG).
Molecular consequence: splice donor variant.
Genome position (GRCh38, 1-based): chr10:14,932,853, C deleted on the plus strand (G on the coding strand, the reverse complement: DCLRE1C is on the minus strand); the first of 2 consecutive C bases (chr10:14,932,853-14,932,854); deleting either gives the same sequence. VCF-style (leftmost placement, unchanged base first): chr10-14932852-AC-A. GRCh37 (hg19) VCF-style: chr10-14974851-AC-A.
Other names: c.435+1del (NM_001350966.2, NM_001289078.2, NM_001289076.2 and 1 more transcripts); c.780+1del (NM_001350965.2, NM_001033855.2); c.420+1del (NM_001350967.2, NM_001289077.2, NM_001289079.2 and 2 more transcripts).
Identifiers: ClinVar variation 4671 (VCV000004671.13), dbSNP rs786205074, ClinGen allele CA212814.